The following is an entry in ClinVar:

ClinVar aggregate classification (germline): Uncertain significance (1 of 4 stars; one submission).

Conditions:
Familial hypocalciuric hypercalcemia (FHH). Also called: Familial benign hypercalcemia. Identifiers: Orphanet 405, MedGen C1809471, MONDO:0018458.
Autosomal dominant hypocalcemia 1 (HYPOC1). Also called: HYPOCALCEMIA, FAMILIAL. Identifiers: MedGen C3715128, MONDO:0011013, OMIM 601198.

Submission:

Labcorp Genetics (formerly Invitae), Labcorp
Classification: Uncertain significance for Familial hypocalciuric hypercalcemia; Autosomal dominant hypocalcemia 1. Last evaluated: 2024-03-06. Review status: criteria provided, single submitter. Criteria: Invitae Variant Classification Sherloc (09022015). Collection method: clinical testing. Allele origin: germline.
Comment: This sequence change replaces glutamic acid, which is acidic and polar, with lysine, which is basic and polar, at codon 499 of the CASR protein (p.Glu499Lys). This variant is not present in population databases (gnomAD no frequency). This variant has not been reported in the literature in individuals affected with CASR-related conditions. ClinVar contains an entry for this variant (Variation ID: 1510566). An algorithm developed to predict the effect of missense changes on protein structure and function (PolyPhen-2) suggests that this variant is likely to be tolerated. In summary, the available evidence is currently insufficient to determine the role of this variant in disease. Therefore, it has been classified as a Variant of Uncertain Significance.

NM_000388.4(CASR):c.1495G>A (p.Glu499Lys)

Gene: CASR (calcium sensing receptor; plus strand). Cytogenetic location: 3q21.1.
Variant type: single nucleotide variant.
Coding change: c.1495G>A on transcript NM_000388.4 (MANE Select); coding-DNA position 1495, G replaced by A.
Protein change: p.Glu499Lys; replaces glutamic acid 499 with lysine.
Molecular consequence: missense variant.
Genome position (GRCh38, 1-based): chr3:122,275,929, G>A. VCF-style: chr3-122275929-G-A. GRCh37 (hg19) VCF-style: chr3-121994776-G-A.
Other names: c.1495G>A, p.Glu499Lys (NM_001178065.2); short protein forms E499K.
Identifiers: ClinVar variation 1510566 (VCV001510566.6), dbSNP rs2107643577, ClinGen allele CA354155220.